The following is an entry in ClinVar:

ClinVar aggregate classification (germline): Likely benign (1 of 4 stars; one submission).

Conditions:
Lynch syndrome 4 (LYNCH4). Also called: Colorectal cancer, hereditary nonpolyposis, type 4; Hereditary non-polyposis colorectal cancer, type 4. Identifiers: Orphanet 144, MedGen C1838333, MONDO:0013699, OMIM 614337. Disease mechanism: loss of function.

Submission:

Myriad Genetics, Inc.
Classification: Likely benign for Lynch syndrome 4. Last evaluated: 2025-02-03. Review status: criteria provided, single submitter. Criteria: Myriad Autosomal Dominant, Autosomal Recessive and X-Linked Classification Criteria (2023). Collection method: clinical testing. Allele origin: unknown.
Comment: This variant is considered likely benign. This variant is intronic and is not expected to impact mRNA splicing.

NM_000535.7(PMS2):c.2006+5A>G

Gene: PMS2 (PMS1 homolog 2, mismatch repair system component; minus strand). Cytogenetic location: 7p22.1.
Variant type: single nucleotide variant.
Coding change: c.2006+5A>G on transcript NM_000535.7 (MANE Select); 5 bases into the intron after coding-DNA position 2006, A replaced by G.
Molecular consequence: intron variant.
Genome position (GRCh38, 1-based): chr7:5,986,754, T>C on the plus strand (A>G on the coding strand, the complement: PMS2 is on the minus strand). VCF-style: chr7-5986754-T-C. GRCh37 (hg19) VCF-style: chr7-6026385-T-C.
Other names: c.1688+5A>G (NM_001322008.2, NM_001406883.1, NM_001406903.1 and 2 more transcripts); c.1697+5A>G (NM_001406881.1, NM_001406879.1, NM_001322015.2 and 5 more transcripts); c.1601+5A>G (NM_001406895.1, NM_001322004.2, NM_001406889.1 and 16 more transcripts); c.1235+5A>G (NM_001406911.1); c.1445+5A>G (NM_001322010.2, NM_001406906.1, NM_001406907.1); c.1532+5A>G (NM_001406902.1, NM_001406901.1); c.1493+5A>G (NM_001406904.1, NM_001406905.1); c.1433+5A>G (NM_001322013.2, NM_001406909.1); and 13 more.
Identifiers: ClinVar variation 3904769 (VCV003904769.1).